The following is an entry in ClinVar:

NM_032609.3(COX4I2):c.311del (p.Thr104fs)

Gene: COX4I2 (cytochrome c oxidase subunit 4I2; plus strand). Cytogenetic location: 20q11.21.
Variant type: Deletion.
Coding change: c.311del on transcript NM_032609.3 (MANE Select); coding-DNA position 311, one base deleted (C; older notation c.311delC).
Protein change: p.Thr104fs; shifts the reading frame from threonine 104.
Molecular consequence: frameshift variant.
Genome position (GRCh38, 1-based): chr20:31,643,467, C deleted. VCF-style (leftmost placement, unchanged base first): chr20-31643466-AC-A. GRCh37 (hg19) VCF-style: chr20-30231269-AC-A.
Other names: short protein forms T104fs.
Identifiers: ClinVar variation 4765832 (VCV004765832.1).

ClinVar aggregate classification (germline): Uncertain significance (1 of 4 stars; one submission).

Submission:

Labcorp Genetics (formerly Invitae), Labcorp
Classification: Uncertain significance. Last evaluated: 2025-10-27. Review status: criteria provided, single submitter. Criteria: Invitae Variant Classification Sherloc (09022015). Collection method: clinical testing. Allele origin: germline.
Comment: This sequence change creates a premature translational stop signal (p.Thr104Lysfs*2) in the COX4I2 gene. It is expected to result in an absent or disrupted protein product. However, the current clinical and genetic evidence is not sufficient to establish whether loss-of-function variants in COX4I2 cause disease. This variant is present in population databases (no rsID available, gnomAD 0.008%). This variant has not been reported in the literature in individuals affected with COX4I2-related conditions. Algorithms developed to predict the effect of sequence changes on RNA splicing suggest that this variant may disrupt the consensus splice site. In summary, the available evidence is currently insufficient to determine the role of this variant in disease. Therefore, it has been classified as a Variant of Uncertain Significance.